The following is an entry in ClinVar:

ClinVar aggregate classification (germline): Uncertain significance (1 of 4 stars; one submission).

Conditions:
Malignant hyperthermia, susceptibility to, 1 (MHS1). Also called: RYR1-Related Malignant Hyperthermia Susceptibility; Malignant hyperthermia suceptibility 1; Anesthesia related hyperthermia; Malignant hyperpyrexia; Fulminating hyperpyrexia; Pharmacogenic myopathy. Identifiers: Orphanet 423, MedGen C2930980, MONDO:0007783, OMIM 145600.

gnomAD v4.1: 1 of 1,614,044 alleles (0.000062%); highest among the groups gnomAD compares: Non-Finnish European, 0.000085%; no homozygotes.

Submission:

Color Diagnostics, LLC DBA Color Health
Classification: Uncertain significance for Malignant hyperthermia, susceptibility to, 1. Last evaluated: 2025-05-21. Review status: criteria provided, single submitter. Criteria: ACMG Guidelines, 2015. Collection method: clinical testing. Allele origin: germline.
Comment: This missense variant replaces threonine with alanine at codon 4853 of the RYR1 protein. Computational prediction suggests that this variant may have deleterious impact on protein structure and function. To our knowledge, functional studies have not been reported for this variant. This variant has not been reported in individuals affected with RYR1-related disorders in the literature. This variant has not been identified in the general population by the Genome Aggregation Database (gnomAD). A different variant occurring at the same codon, p.Thr4853Asn, is associated with autosomal dominant congenital myopathy (ClinVar SCV003210958.3). The available evidence is insufficient to determine the role of this variant in autosomal dominant malignant hyperthermia susceptibility conclusively. Therefore, this variant is classified as a Variant of Uncertain Significance.

NM_000540.3(RYR1):c.14557A>G (p.Thr4853Ala)

Gene: RYR1 (ryanodine receptor 1; plus strand). Cytogenetic location: 19q13.2.
Variant type: single nucleotide variant.
Coding change: c.14557A>G on transcript NM_000540.3 (MANE Select); coding-DNA position 14557, A replaced by G.
Protein change: p.Thr4853Ala; replaces threonine 4853 with alanine.
Molecular consequence: missense variant.
Genome position (GRCh38, 1-based): chr19:38,580,415, A>G. VCF-style: chr19-38580415-A-G. GRCh37 (hg19) VCF-style: chr19-39071055-A-G.
Other names: c.14542A>G, p.Thr4848Ala (NM_001042723.2); short protein forms T4848A, T4853A.
Identifiers: ClinVar variation 4756661 (VCV004756661.1).
Genomic context (GRCh38, chr19:38,580,415, plus strand): 5'-CCATCCTGCCCCCAGCTGGTGATGACCGTGGGCCTTCTGGCGGTGGTCGTCTACCTGTAC[A>G]CCGTGGTGGCCTTCAACTTCTTCCGCAAGTTCTACAACAAGAGCGAGGATGAGGATGAAC-3'
Protein context (NP_000531.2, residues 4843-4863): GLLAVVVYLY[Thr4853Ala]VVAFNFFRKF